The following is an entry in ClinVar:

NM_015335.5(MED13L):c.1588G>A (p.Ala530Thr)

Gene: MED13L (mediator complex subunit 13L; minus strand). Cytogenetic location: 12q24.21.
Variant type: single nucleotide variant.
Coding change: c.1588G>A on transcript NM_015335.5 (MANE Select); coding-DNA position 1588, G replaced by A.
Protein change: p.Ala530Thr; replaces alanine 530 with threonine.
Molecular consequence: missense variant.
Genome position (GRCh38, 1-based): chr12:116,008,825, C>T on the plus strand (G>A on the coding strand, the complement: MED13L is on the minus strand). VCF-style: chr12-116008825-C-T. GRCh37 (hg19) VCF-style: chr12-116446630-C-T.
Other names: short protein forms A530T.
Identifiers: ClinVar variation 5037004 (VCV005037004.1).
Genomic context (GRCh38, chr12:116,008,825, plus strand): 5'-AATGAGGTGAATCCATAGGATTCAGATTCATTTGCTTGCTTGTATTTCTGGAAGGCACGG[C>T]CATTTGCTTATCATATTTCCTACTGCTAGACACCTCTAAGGAGGAGTCTATCCCTGCCAA-3'
Protein context (NP_056150.1, residues 520-540): SSSRKYDKQM[Ala530Thr]VPSRNTSKQM

ClinVar aggregate classification (germline): Uncertain significance (1 of 4 stars; one submission).

Submission:

GeneDx
Classification: Uncertain significance. Last evaluated: 2026-04-11. Review status: criteria provided, single submitter. Criteria: GeneDx Variant Classification Process June 2021. Collection method: clinical testing. Allele origin: germline.
Comment: In silico analysis suggests that this missense variant does not alter protein structure/function; Not observed at significant frequency in large population cohorts (gnomAD); Has not been previously published as pathogenic or benign to our knowledge